The following is an entry in ClinVar:

ClinVar aggregate classification (germline): Pathogenic/Likely pathogenic. Review status: criteria provided, multiple submitters, no conflicts (2 of 4 stars). 3 submissions from 3 submitters: Pathogenic (1); Likely pathogenic (2). Last evaluated 2025-11-24.

Conditions:
SIGMAR1-related disorder. Also called: SIGMAR1-related condition.
Amyotrophic lateral sclerosis type 16. Also called: AMYOTROPHIC LATERAL SCLEROSIS 16, JUVENILE. Identifiers: Orphanet 300605, MedGen C3280587, MONDO:0013715, OMIM 614373.
Autosomal recessive distal spinal muscular atrophy 2. Also called: NEURONOPATHY, DISTAL HEREDITARY MOTOR, JERASH TYPE; NEUROPATHY, DISTAL HEREDITARY MOTOR, JERASH TYPE; SPINAL MUSCULAR ATROPHY, JERASH TYPE; NEUROPATHY, DISTAL HEREDITARY MOTOR, AUTOSOMAL RECESSIVE 2; Hereditary motor neuropathy, Jerash type; Motor neuropathy, distal, Jerash type. Identifiers: Orphanet 139552, MedGen C1854023, MONDO:0011585, OMIM 605726.

Allele frequency attached by ClinVar (database versions not stated): gnomAD 0.00004; gnomAD exomes 0.00002 and 0.00012; TOPMed 0.00003; ExAC 0.00004; ESP Exome Variant Server 0.00008.
gnomAD v4.1: 178 of 1,605,952 alleles (0.011%); highest among the groups gnomAD compares: Non-Finnish European, 0.015%; no homozygotes.

Submissions (3):

Labcorp Genetics (formerly Invitae), Labcorp
Classification: Likely pathogenic for Autosomal recessive distal spinal muscular atrophy 2; Amyotrophic lateral sclerosis type 16. Last evaluated: 2025-11-24. Review status: criteria provided, single submitter. Criteria: Invitae Variant Classification Sherloc (09022015). Collection method: clinical testing. Allele origin: germline.
Comment: This sequence change replaces leucine, which is neutral and non-polar, with glutamine, which is neutral and polar, at codon 65 of the SIGMAR1 protein (p.Leu65Gln). This variant is present in population databases (rs140376902, gnomAD 0.005%). This missense change has been observed in individuals with distal hereditary motor neuropathy (PMID: 27629094, 28708278; internal data). ClinVar contains an entry for this variant (Variation ID: 575556). An algorithm developed to predict the effect of missense changes on protein structure and function (PolyPhen-2) suggests that this variant is likely to be disruptive. In summary, the currently available evidence indicates that the variant is pathogenic, but additional data are needed to prove that conclusively. Therefore, this variant has been classified as Likely Pathogenic.

PreventionGenetics, part of Exact Sciences
Classification: Likely pathogenic for SIGMAR1-related condition. Last evaluated: 2025-02-28. Review status: criteria provided, single submitter. Criteria: ACMG Guidelines, 2015. Collection method: clinical testing. Allele origin: germline.
Comment: The SIGMAR1 c.194T>A variant is predicted to result in the amino acid substitution p.Leu65Gln. This variant was reported in the homozygous and compound heterozygous (along with a truncating variant) states in two unrelated individuals with pediatric onset hereditary motor neuropathy (Horga et al. 2016. PubMed ID: 27629094; Hartley et al. 2017. PubMed ID: 28708278). This variant is reported in 0.0038% of alleles in individuals of European (non-Finnish) descent in gnomAD. This variant is interpreted as likely pathogenic.

Victorian Clinical Genetics Services, Murdoch Childrens Research Institute
Classification: Pathogenic for Amyotrophic lateral sclerosis type 16. Last evaluated: 2022-02-02. Review status: criteria provided, single submitter. Criteria: ACMG Guidelines, 2015. Collection method: clinical testing. Allele origin: germline. Inheritance: Autosomal recessive inheritance. Affected: yes.
Comment: Based on the classification scheme VCGS_Germline_v1.3.4, this variant is classified as Pathogenic. Following criteria are met: 0102 - Loss of function is a known mechanism of disease in this gene and is associated with spinal muscular atrophy, distal, autosomal recessive, 2 (MIM#605726), and is a likely mechanism for amyotrophic lateral sclerosis 16, juvenile (MIM#614373) (PMID: 31511340, PMID: 25704016). (I) 0106 - This gene is associated with autosomal recessive disease. (I) 0200 - Variant is predicted to result in a missense amino acid change from leucine to glutamine. (I) 0251 - This variant is heterozygous. (I) 0304 - Variant is present in gnomAD (v3) <0.01 for a recessive condition (6 heterozygotes, 0 homozygotes). (SP) 0501 - Missense variant consistently predicted to be damaging by multiple in silico tools or highly conserved with a major amino acid change. (SP) 0600 - Variant is located in the annotated ERG2_Sigma1R domain (NCBI). (I) 0705 - No comparable missense variants have previous evidence for pathogenicity. (I) 0802 - This variant has moderate previous evidence of pathogenicity in unrelated individuals. This variant has been reported as likely pathogenic, and observed in a homozygous individual with distal hereditary motor neuropathy and/or Silver-like syndrome (ClinVar, PMID: 27629094, PMID: 28708278). (SP) 0905 - No published segregation evidence has been identified for this variant. (I) 1007 - No published functional evidence has been identified for this variant. (I) 1102 - Strong phenotype match for this individual. (I) Legend: (SP) - Supporting pathogenic, (I) - Information, (SB) - Supporting benign

Literature cited by the submitters: PubMed 27629094 (cited by Labcorp Genetics (formerly Invitae), Labcorp and Victorian Clinical Genetics Services, Murdoch Childrens Research Institute); PubMed 28708278 (cited by Labcorp Genetics (formerly Invitae), Labcorp and Victorian Clinical Genetics Services, Murdoch Childrens Research Institute); PubMed 25704016 (cited by Victorian Clinical Genetics Services, Murdoch Childrens Research Institute); PubMed 31511340 (cited by Victorian Clinical Genetics Services, Murdoch Childrens Research Institute).

NM_005866.4(SIGMAR1):c.194T>A (p.Leu65Gln)

Gene: SIGMAR1 (sigma receptor chaperone 1; minus strand). Cytogenetic location: 9p13.3.
Variant type: single nucleotide variant.
Coding change: c.194T>A on transcript NM_005866.4 (MANE Select); coding-DNA position 194, T replaced by A.
Protein change: p.Leu65Gln; replaces leucine 65 with glutamine.
Molecular consequence: missense variant. On other transcripts: 5 prime UTR variant (1), non-coding transcript variant (1).
Genome position (GRCh38, 1-based): chr9:34,637,378, A>T on the plus strand (T>A on the coding strand, the complement: SIGMAR1 is on the minus strand). VCF-style: chr9-34637378-A-T. GRCh37 (hg19) VCF-style: chr9-34637375-A-T.
Other names: c.194T>A, p.Leu65Gln (NM_001282205.2, NM_001282208.2, NM_001282209.2 and 1 more transcripts); c.-60T>A (NM_001282206.2); c.134T>A, p.Leu45Gln (NM_001282207.2); short protein forms L65Q, L45Q.
Identifiers: ClinVar variation 575556 (VCV000575556.15), dbSNP rs140376902, ClinGen allele CA5035928.